The following is an entry in ClinVar:

NM_014946.4(SPAST):c.460G>A (p.Glu154Lys)

Gene: SPAST (spastin; plus strand). Cytogenetic location: 2p22.3.
Variant type: single nucleotide variant.
Coding change: c.460G>A on transcript NM_014946.4 (MANE Select); coding-DNA position 460, G replaced by A.
Protein change: p.Glu154Lys; replaces glutamic acid 154 with lysine.
Molecular consequence: missense variant.
Genome position (GRCh38, 1-based): chr2:32,087,536, G>A. VCF-style: chr2-32087536-G-A. GRCh37 (hg19) VCF-style: chr2-32312605-G-A.
Other names: c.457G>A, p.Glu153Lys (NM_001363823.2, NM_001363875.2); c.460G>A, p.Glu154Lys (NM_001377959.1, NM_199436.2); short protein forms E153K, E154K.
Identifiers: ClinVar variation 4077263 (VCV004077263.1).

ClinVar aggregate classification (germline): Uncertain significance (1 of 4 stars; one submission).

gnomAD v4.1: 1 of 1,608,832 alleles (0.000062%); highest among the groups gnomAD compares: Non-Finnish European, 0.000085%; no homozygotes.

Submission:

GeneDx
Classification: Uncertain significance. Last evaluated: 2025-02-26. Review status: criteria provided, single submitter. Criteria: GeneDx Variant Classification Process June 2021. Collection method: clinical testing. Allele origin: germline. Affected: yes.
Comment: Not observed at significant frequency in large population cohorts (gnomAD); In silico analysis indicates that this missense variant does not alter protein structure/function; Has not been previously published as pathogenic or benign to our knowledge; This variant is associated with the following publications: (PMID: 21139634, 26094131)